The following is an entry in ClinVar:

NM_004195.3(TNFRSF18):c.189C>T (p.Gly63=)

Gene: TNFRSF18 (TNF receptor superfamily member 18; minus strand). Cytogenetic location: 1p36.33.
Variant type: single nucleotide variant.
Coding change: c.189C>T on transcript NM_004195.3 (MANE Select); coding-DNA position 189, C replaced by T.
Protein change: p.Gly63=; no amino-acid change (glycine 63 retained).
Molecular consequence: synonymous variant.
Genome position (GRCh38, 1-based): chr1:1,205,491, G>A on the plus strand (C>T on the coding strand, the complement: TNFRSF18 is on the minus strand). VCF-style: chr1-1205491-G-A. GRCh37 (hg19) VCF-style: chr1-1140871-G-A.
Other names: c.189C>T, p.Gly63= (NM_148901.2, NM_148902.2).
Identifiers: ClinVar variation 2637989 (VCV002637989.24), dbSNP rs142770542, ClinGen allele CA512229.
Genomic context (GRCh38, chr1:1,205,491, plus strand): 5'-GTCTCCGCAGTGGAATTCAGGCTGGACACACATGCAGTCCCACTCGGAACAGCACTCCTC[G>A]CCTGGGCAGGAGACAGGCCAGCCCCCCAGCAGCTGGGCTGAGGCCCCCTCCTCCCCAGGC-3'
Protein context (NP_004186.1, residues 53-73): HTTRCCRDYP[Gly63=]EECCSEWDCM

ClinVar aggregate classification (germline): Likely benign (1 of 4 stars; one submission).

Allele frequency attached by ClinVar (database versions not stated): 1000 Genomes Project 30x 0.00062; 1000 Genomes Project 0.00080; gnomAD exomes 0.00109; ESP Exome Variant Server 0.00162; ExAC 0.00178; TOPMed 0.00184.
gnomAD v4.1: 1,996 of 1,611,174 alleles (0.12%); highest among the groups gnomAD compares: Middle Eastern, 1.2%; 24 homozygotes.

Submission:

CeGaT Center for Human Genetics Tuebingen
Classification: Likely benign. Last evaluated: 2022-09-01. Review status: criteria provided, single submitter. Criteria: CeGaT Center For Human Genetics Tuebingen Variant Classification Criteria Version 2. Collection method: clinical testing. Allele origin: germline. Affected: yes. Observed: 1 variant allele.
Comment: TNFRSF18: BP4, BP7